The following is an entry in ClinVar:

ClinVar aggregate classification (germline): Uncertain significance. Review status: criteria provided, multiple submitters, no conflicts (2 of 4 stars). 2 submissions from 2 submitters: Uncertain significance (2). Last evaluated 2024-07-08.

Conditions:
LTBP4-related disorder. Also called: LTBP4-related condition.

Allele frequency attached by ClinVar (database versions not stated): TOPMed 0.00001; gnomAD exomes 0.00003.
gnomAD v4.1: 54 of 1,595,536 alleles (0.0034%); highest among the groups gnomAD compares: Non-Finnish European, 0.004%; no homozygotes.

Submissions (2):

GeneDx
Classification: Uncertain significance. Last evaluated: 2024-07-08. Review status: criteria provided, single submitter. Criteria: GeneDx Variant Classification Process June 2021. Collection method: clinical testing. Allele origin: germline. Affected: yes.
Comment: Not observed at significant frequency in large population cohorts (gnomAD); In silico analysis indicates that this missense variant does not alter protein structure/function; Has not been previously published as pathogenic or benign to our knowledge

PreventionGenetics, part of Exact Sciences
Classification: Uncertain significance for LTBP4-related condition. Last evaluated: 2022-10-18. Review status: criteria provided, single submitter. Criteria: ACMG Guidelines, 2015. Collection method: clinical testing. Allele origin: germline.
Comment: The LTBP4 c.4469A>C variant is predicted to result in the amino acid substitution p.Glu1490Ala. To our knowledge, this variant has not been reported in the literature. This variant is reported in 0.0010% of alleles in individuals of European (Non-Finnish) descent in gnomAD. At this time, the clinical significance of this variant is uncertain due to the absence of conclusive functional and genetic evidence.

NM_001042545.2(LTBP4):c.4379A>C (p.Glu1460Ala)

Gene: LTBP4 (latent transforming growth factor beta binding protein 4; plus strand). Cytogenetic location: 19q13.2.
Variant type: single nucleotide variant.
Coding change: c.4379A>C on transcript NM_001042545.2 (MANE Select); coding-DNA position 4379, A replaced by C.
Protein change: p.Glu1460Ala; replaces glutamic acid 1460 with alanine.
Molecular consequence: missense variant.
Genome position (GRCh38, 1-based): chr19:40,627,717, A>C. VCF-style: chr19-40627717-A-C. GRCh37 (hg19) VCF-style: chr19-41133622-A-C.
Other names: c.4580A>C, p.Glu1527Ala (NM_001042544.1); c.4469A>C, p.Glu1490Ala (NM_003573.2); short protein forms E1460A, E1490A, E1527A.
Identifiers: ClinVar variation 2637285 (VCV002637285.2), dbSNP rs764172677, ClinGen allele CA9449304.